The following is an entry in ClinVar:

NM_024675.4(PALB2):c.2562C>T (p.Asn854=)

Gene: PALB2 (partner and localizer of BRCA2; minus strand). Cytogenetic location: 16p12.2.
Variant type: single nucleotide variant.
Coding change: c.2562C>T on transcript NM_024675.4 (MANE Select); coding-DNA position 2562, C replaced by T.
Protein change: p.Asn854=; no amino-acid change (asparagine 854 retained).
Molecular consequence: synonymous variant.
Genome position (GRCh38, 1-based): chr16:23,629,228, G>A on the plus strand (C>T on the coding strand, the complement: PALB2 is on the minus strand). VCF-style: chr16-23629228-G-A. GRCh37 (hg19) VCF-style: chr16-23640549-G-A.
Identifiers: ClinVar variation 830172 (VCV000830172.10), dbSNP rs1966853809, ClinGen allele CA494163369.

ClinVar aggregate classification (germline): Benign/Likely benign. Review status: criteria provided, multiple submitters, no conflicts (2 of 4 stars). 5 submissions from 5 submitters: Benign (1); Likely benign (3). 1 of the submissions does not count toward it. Last evaluated 2026-04-01.

Conditions:
Familial cancer of breast. Also called: BREAST CANCER, FAMILIAL; Hereditary breast cancer; hereditary breast carcinoma. Identifiers: Orphanet 227535, MedGen C0346153, MONDO:0016419, OMIM 114480. Disease mechanism: loss of function.

Submissions (5):

CeGaT Center for Human Genetics Tuebingen
Classification: Likely benign. Last evaluated: 2026-04-01. Review status: criteria provided, single submitter. Criteria: CeGaT Center For Human Genetics Tuebingen Variant Classification Criteria Version 2. Collection method: clinical testing. Allele origin: germline. Affected: yes. Observed: 1 variant allele.
Comment: PALB2: PM2:Supporting, BP4, BP7

Labcorp Genetics (formerly Invitae), Labcorp
Classification: Likely benign for Familial cancer of breast. Last evaluated: 2026-01-05. Review status: criteria provided, single submitter. Criteria: Invitae Variant Classification Sherloc (09022015). Collection method: clinical testing. Allele origin: germline.

Myriad Genetics, Inc.
Classification: Benign for Familial cancer of breast. Last evaluated: 2025-01-16. Review status: criteria provided, single submitter. Criteria: Myriad Autosomal Dominant, Autosomal Recessive and X-Linked Classification Criteria (2023). Collection method: clinical testing. Allele origin: unknown.
Comment: This variant is considered benign. This variant is a silent/synonymous amino acid change and it is not expected to impact splicing.

GeneDx
Classification: Likely benign. Last evaluated: 2018-09-20. Review status: criteria provided, single submitter. Criteria: GeneDx Variant Classification Process June 2021. Collection method: clinical testing. Allele origin: germline. Affected: yes.
Comment: See Variant Classification Assertion Criteria.

Leiden Open Variation Database
Classification: Uncertain significance. Last evaluated: 2018-08-25. Review status: no assertion criteria provided. Collection method: curation. Allele origin: germline. Affected: yes. Not counted in ClinVar's aggregate classification.
Comment: Curators: Marc Tischkowitz, Arleen D. Auerbach. Submitter to LOVD: Yukihide Momozawa.

Literature cited by the submitters: PubMed 30287823 (cited by Leiden Open Variation Database).